The following is an entry in ClinVar:

NM_032242.4(PLXNA1):c.2157G>A (p.Val719=)

Gene: PLXNA1 (plexin A1; plus strand). Cytogenetic location: 3q21.3.
Variant type: single nucleotide variant.
Coding change: c.2157G>A on transcript NM_032242.4 (MANE Select); coding-DNA position 2157, G replaced by A.
Protein change: p.Val719=; no amino-acid change (valine 719 retained).
Molecular consequence: synonymous variant.
Genome position (GRCh38, 1-based): chr3:127,012,002, G>A. VCF-style: chr3-127012002-G-A. GRCh37 (hg19) VCF-style: chr3-126730845-G-A.
Identifiers: ClinVar variation 3344630 (VCV003344630.1).

ClinVar aggregate classification (germline): Likely benign (0 of 4 stars; one submission).

Conditions:
PLXNA1-related disorder. Also called: PLXNA1-related condition.

Submission:

PreventionGenetics, part of Exact Sciences
Classification: Likely benign for PLXNA1-related condition. Last evaluated: 2024-08-29. Review status: no assertion criteria provided. Collection method: clinical testing. Allele origin: germline.
Comment: This variant is classified as likely benign based on ACMG/AMP sequence variant interpretation guidelines (Richards et al. 2015 PMID: 25741868, with internal and published modifications).